The following is an entry in ClinVar:

ClinVar aggregate classification (germline): Conflicting classifications of pathogenicity. Review status: criteria provided, conflicting classifications (1 of 4 stars). 2 submissions from 2 submitters: Uncertain significance (1); Likely benign (1). Last evaluated 2024-09-11.

Conditions:
Cardiovascular phenotype. Identifiers: MedGen CN230736.
Alstrom syndrome (ALMS). Identifiers: Orphanet 64, MedGen C0268425, MONDO:0008763, OMIM 203800.

Submissions (2):

Ambry Genetics
Classification: Likely benign for Cardiovascular phenotype. Last evaluated: 2024-09-11. Review status: criteria provided, single submitter. Criteria: Ambry Variant Classification Scheme 2023. Collection method: clinical testing. Allele origin: germline.

Labcorp Genetics (formerly Invitae), Labcorp
Classification: Uncertain significance for Alstrom syndrome. Last evaluated: 2022-07-19. Review status: criteria provided, single submitter. Criteria: Invitae Variant Classification Sherloc (09022015). Collection method: clinical testing. Allele origin: germline.
Comment: This sequence change replaces histidine, which is basic and polar, with glutamine, which is neutral and polar, at codon 3526 of the ALMS1 protein (p.His3526Gln). This variant is not present in population databases (gnomAD no frequency). This variant has not been reported in the literature in individuals affected with ALMS1-related conditions. ClinVar contains an entry for this variant (Variation ID: 959752). In summary, the available evidence is currently insufficient to determine the role of this variant in disease. Therefore, it has been classified as a Variant of Uncertain Significance.

NM_001378454.1(ALMS1):c.10575C>A (p.His3525Gln)

Gene: ALMS1 (ALMS1 centrosome and basal body associated protein; plus strand). Cytogenetic location: 2p13.1.
Variant type: single nucleotide variant.
Coding change: c.10575C>A on transcript NM_001378454.1 (MANE Select); coding-DNA position 10575, C replaced by A.
Protein change: p.His3525Gln; replaces histidine 3525 with glutamine.
Molecular consequence: missense variant.
Genome position (GRCh38, 1-based): chr2:73,572,452, C>A. VCF-style: chr2-73572452-C-A. GRCh37 (hg19) VCF-style: chr2-73799579-C-A.
Other names: c.10578C>A, p.His3526Gln (NM_015120.4); short protein forms H3525Q, H3526Q.
Identifiers: ClinVar variation 959752 (VCV000959752.8), dbSNP rs1674954136, ClinGen allele CA347283821.
Genomic context (GRCh38, chr2:73,572,452, plus strand): 5'-TTTCATGAGACATTCTTGGAAAGATTTCTTTCAGCATCATCCAGACAAACATAGAGAACA[C>A]ATGTGTCTTCCTCTTCCTTATCAAAACATGGACAAGACTAAGACAGATTATACCAGAATA-3'
Protein context (NP_001365383.1, residues 3515-3535): FQHHPDKHRE[His3525Gln]MCLPLPYQNM